The following is an entry in ClinVar:

NM_024642.5(GALNT12):c.1482A>G (p.Lys494=)

Gene: GALNT12 (polypeptide N-acetylgalactosaminyltransferase 12; plus strand). Cytogenetic location: 9q22.33.
Variant type: single nucleotide variant.
Coding change: c.1482A>G on transcript NM_024642.5 (MANE Select); coding-DNA position 1482, A replaced by G.
Protein change: p.Lys494=; no amino-acid change (lysine 494 retained).
Molecular consequence: synonymous variant.
Genome position (GRCh38, 1-based): chr9:98,846,000, A>G. VCF-style: chr9-98846000-A-G. GRCh37 (hg19) VCF-style: chr9-101608282-A-G.
Identifiers: ClinVar variation 819337 (VCV000819337.5), dbSNP rs1588459511, ClinGen allele CA466425249.

ClinVar aggregate classification (germline): Benign/Likely benign. Review status: criteria provided, multiple submitters, no conflicts (2 of 4 stars). 2 submissions from 2 submitters: Benign (1); Likely benign (1). Last evaluated 2026-04-27.

Conditions:
Colorectal cancer, susceptibility to, 1. Also called: COLORECTAL ADENOMA AND CANCER, SUSCEPTIBILITY TO; COLORECTAL CANCER, SUSCEPTIBILITY TO, ON CHROMOSOME 9. Identifiers: MedGen C1837315, MONDO:0012132, OMIM 608812.

Submissions (2):

Myriad Genetics, Inc.
Classification: Benign for Colorectal cancer, susceptibility to, 1. Last evaluated: 2026-04-27. Review status: criteria provided, single submitter. Criteria: Myriad Autosomal Dominant, Autosomal Recessive and X-Linked Classification Criteria (2023). Collection method: clinical testing. Allele origin: unknown.
Comment: This variant is considered benign. This variant is a silent/synonymous amino acid change and it is not expected to impact splicing.

Ambry Genetics
Classification: Likely benign. Last evaluated: 2018-11-07. Review status: criteria provided, single submitter. Criteria: Ambry Variant Classification Scheme 2023. Collection method: clinical testing. Allele origin: germline.